The following is an entry in ClinVar:

ClinVar aggregate classification (germline): Uncertain significance (1 of 4 stars; one submission).

Conditions:
Cranioectodermal dysplasia 1 (CED1). Also called: LEVIN SYNDROME I. Identifiers: Orphanet 1515, MedGen C0432235, MONDO:0021093, OMIM 218330.

Submission:

Labcorp Genetics (formerly Invitae), Labcorp
Classification: Uncertain significance for Cranioectodermal dysplasia 1. Last evaluated: 2022-07-19. Review status: criteria provided, single submitter. Criteria: Invitae Variant Classification Sherloc (09022015). Collection method: clinical testing. Allele origin: germline.
Comment: This variant is not present in population databases (gnomAD no frequency). In summary, the available evidence is currently insufficient to determine the role of this variant in disease. Therefore, it has been classified as a Variant of Uncertain Significance. Algorithms developed to predict the effect of missense changes on protein structure and function (SIFT, PolyPhen-2, Align-GVGD) all suggest that this variant is likely to be tolerated. ClinVar contains an entry for this variant (Variation ID: 1380163). This variant has not been reported in the literature in individuals affected with IFT122-related conditions. This sequence change replaces serine, which is neutral and polar, with asparagine, which is neutral and polar, at codon 320 of the IFT122 protein (p.Ser320Asn).

NM_052989.3(IFT122):c.806G>A (p.Ser269Asn)

Gene: IFT122 (intraflagellar transport 122; plus strand). Cytogenetic location: 3q21.3.
Variant type: single nucleotide variant.
Coding change: c.806G>A on transcript NM_052989.3 (MANE Select); coding-DNA position 806, G replaced by A.
Protein change: p.Ser269Asn; replaces serine 269 with asparagine.
Molecular consequence: missense variant.
Genome position (GRCh38, 1-based): chr3:129,469,407, G>A. VCF-style: chr3-129469407-G-A. GRCh37 (hg19) VCF-style: chr3-129188250-G-A.
Other names: c.782G>A, p.Ser261Asn (NM_001280541.2); c.356G>A, p.Ser119Asn (NM_001280545.2); c.179G>A, p.Ser60Asn (NM_001280546.2); c.629G>A, p.Ser210Asn (NM_018262.4); c.959G>A, p.Ser320Asn (NM_052985.4); c.473G>A, p.Ser158Asn (NM_052990.3); short protein forms S119N, S261N, S320N, S60N, S210N, S269N, S158N.
Identifiers: ClinVar variation 1380163 (VCV001380163.8), dbSNP rs2108198145, ClinGen allele CA354470841.